The following is an entry in ClinVar:

NM_000548.5(TSC2):c.3749A>T (p.Tyr1250Phe)

Gene: TSC2 (TSC complex subunit 2; plus strand). Cytogenetic location: 16p13.3.
Variant type: single nucleotide variant.
Coding change: c.3749A>T on transcript NM_000548.5 (MANE Select); coding-DNA position 3749, A replaced by T.
Protein change: p.Tyr1250Phe; replaces tyrosine 1250 with phenylalanine.
Molecular consequence: missense variant. On other transcripts: non-coding transcript variant (5).
Genome position (GRCh38, 1-based): chr16:2,081,733, A>T. VCF-style: chr16-2081733-A-T. GRCh37 (hg19) VCF-style: chr16-2131734-A-T.
Other names: c.3617A>T, p.Tyr1206Phe (NM_001077183.3, NM_001370404.1, NM_001406665.1); c.3749A>T, p.Tyr1250Phe (NM_001114382.3); c.3509A>T, p.Tyr1170Phe (NM_001318827.2); c.3473A>T, p.Tyr1158Phe (NM_001318829.2); c.3017A>T, p.Tyr1006Phe (NM_001318831.2, NM_001406687.1, NM_001406688.1); c.3650A>T, p.Tyr1217Phe (NM_001318832.2); c.3620A>T, p.Tyr1207Phe (NM_001363528.2, NM_001370405.1, NM_021055.3); c.3746A>T, p.Tyr1249Phe (NM_001406663.1, NM_001406664.1); and 18 more; short protein forms Y1157F, Y1158F, Y1187F, Y1201F, Y1207F, Y1249F, Y1250F, Y1006F.
Identifiers: ClinVar variation 4192165 (VCV004192165.1).
Genomic context (GRCh38, chr16:2,081,733, plus strand): 5'-AGCTGTCTAACGCCCTCATGGCGGCTGAGCGCTTCAAGGAGCACCGGGACACAGCCCTGT[A>T]CAAGTCACTGTCGGTGCCGGCAGCCAGCACGGCCAAACCCCCTCCTCTGCCTCGCTCCAA-3'
Protein context (NP_000539.2, residues 1240-1260): RFKEHRDTAL[Tyr1250Phe]KSLSVPAAST

ClinVar aggregate classification (germline): Uncertain significance (1 of 4 stars; one submission).

Conditions:
Hereditary cancer-predisposing syndrome. Also called: Neoplastic Syndromes, Hereditary; Tumor predisposition; Hereditary Cancer Syndrome; Hereditary neoplastic syndrome. Identifiers: Orphanet 140162, MedGen C0027672, MeSH D009386, MONDO:0015356.

Submission:

Ambry Genetics
Classification: Uncertain significance for Hereditary cancer-predisposing syndrome. Last evaluated: 2025-07-28. Review status: criteria provided, single submitter. Criteria: Ambry Variant Classification Scheme 2023. Collection method: clinical testing. Allele origin: germline.
Comment: The p.Y1250F variant (also known as c.3749A>T), located in coding exon 30 of the TSC2 gene, results from an A to T substitution at nucleotide position 3749. The tyrosine at codon 1250 is replaced by phenylalanine, an amino acid with highly similar properties. This amino acid position is conserved. In addition, the in silico prediction for this alteration is inconclusive. Based on the available evidence, the clinical significance of this variant remains unclear.